The following is an entry in ClinVar:

NM_003872.3(NRP2):c.2425+9657G>T

Gene: NRP2 (neuropilin 2; plus strand). Cytogenetic location: 2q33.3.
Variant type: single nucleotide variant.
Coding change: c.2425+9657G>T on transcript NM_003872.3 (MANE Select); 9657 bases into the intron after coding-DNA position 2425, G replaced by T.
Molecular consequence: intron variant. On other transcripts: synonymous variant (2).
Genome position (GRCh38, 1-based): chr2:205,776,460, G>T. VCF-style: chr2-205776460-G-T. GRCh37 (hg19) VCF-style: chr2-206641184-G-T.
Other names: c.2655G>T, p.Gly885= (NM_018534.4); c.2640G>T, p.Gly880= (NM_201267.2); c.2440+9642G>T (NM_201266.2); c.2425+9657G>T (NM_201279.2).
Identifiers: ClinVar variation 3032440 (VCV003032440.2), dbSNP rs201977611, ClinGen allele CA2069535.

ClinVar aggregate classification (germline): Likely benign (0 of 4 stars; one submission).

Conditions:
NRP2-related disorder. Also called: NRP2-related condition.

Allele frequency attached by ClinVar (database versions not stated): 1000 Genomes Project 30x 0.00016; gnomAD 0.00016; 1000 Genomes Project 0.00020; TOPMed 0.00026.

Submission:

PreventionGenetics, part of Exact Sciences
Classification: Likely benign for NRP2-related condition. Last evaluated: 2021-12-12. Review status: no assertion criteria provided. Collection method: clinical testing. Allele origin: germline.
Comment: This variant is classified as likely benign based on ACMG/AMP sequence variant interpretation guidelines (Richards et al. 2015 PMID: 25741868, with internal and published modifications).